The following is an entry in ClinVar:

NM_001177316.2(SLC34A3):c.304+10G>A

Gene: SLC34A3 (solute carrier family 34 member 3; plus strand). Cytogenetic location: 9q34.3.
Variant type: single nucleotide variant.
Coding change: c.304+10G>A on transcript NM_001177316.2 (MANE Select); 10 bases into the intron after coding-DNA position 304, G replaced by A.
Molecular consequence: intron variant.
Genome position (GRCh38, 1-based): chr9:137,232,713, G>A. VCF-style: chr9-137232713-G-A. GRCh37 (hg19) VCF-style: chr9-140127165-G-A.
Other names: c.304+10G>A (NM_080877.2, NM_001177317.2, NM_080877.3).
Identifiers: ClinVar variation 1911374 (VCV001911374.7), dbSNP rs756183651, ClinGen allele CA5364307.

ClinVar aggregate classification (germline): Likely benign. Review status: criteria provided, single submitter (1 of 4 stars). 2 submissions from 2 submitters: Likely benign (1). 1 of the submissions does not count toward it. Last evaluated 2025-06-03.

Conditions:
SLC34A3-related disorder. Also called: SLC34A3-related condition.

Allele frequency attached by ClinVar (database versions not stated): ExAC 0.00002; gnomAD exomes 0.00003; TOPMed 0.00005; gnomAD 0.00007.
gnomAD v4.1: 56 of 1,612,936 alleles (0.0035%); highest among the groups gnomAD compares: Middle Eastern, 0.049%; no homozygotes.

Submissions (2):

Labcorp Genetics (formerly Invitae), Labcorp
Classification: Likely benign. Last evaluated: 2025-06-03. Review status: criteria provided, single submitter. Criteria: Invitae Variant Classification Sherloc (09022015). Collection method: clinical testing. Allele origin: germline.

PreventionGenetics, part of Exact Sciences
Classification: Likely benign for SLC34A3-related condition. Last evaluated: 2019-05-28. Review status: no assertion criteria provided. Collection method: clinical testing. Allele origin: germline. Not counted in ClinVar's aggregate classification.
Comment: This variant is classified as likely benign based on ACMG/AMP sequence variant interpretation guidelines (Richards et al. 2015 PMID: 25741868, with internal and published modifications).